The following is an entry in ClinVar:

NM_001040108.2(MLH3):c.2189C>G (p.Thr730Arg)

Gene: MLH3 (mutL homolog 3; minus strand). Cytogenetic location: 14q24.3.
Variant type: single nucleotide variant.
Coding change: c.2189C>G on transcript NM_001040108.2 (MANE Select); coding-DNA position 2189, C replaced by G.
Protein change: p.Thr730Arg; replaces threonine 730 with arginine.
Molecular consequence: missense variant.
Genome position (GRCh38, 1-based): chr14:75,047,467, G>C on the plus strand (C>G on the coding strand, the complement: MLH3 is on the minus strand). VCF-style: chr14-75047467-G-C. GRCh37 (hg19) VCF-style: chr14-75514170-G-C.
Other names: c.2189C>G, p.Thr730Arg (NM_014381.3); short protein forms T730R.
Identifiers: ClinVar variation 3396660 (VCV003396660.1).

ClinVar aggregate classification (germline): Uncertain significance (1 of 4 stars; one submission).

Submission:

Ambry Genetics
Classification: Uncertain significance. Last evaluated: 2024-07-03. Review status: criteria provided, single submitter. Criteria: Ambry Variant Classification Scheme 2023. Collection method: clinical testing. Allele origin: germline.
Comment: The p.T730R variant (also known as c.2189C>G), located in coding exon 1 of the MLH3 gene, results from a C to G substitution at nucleotide position 2189. The threonine at codon 730 is replaced by arginine, an amino acid with similar properties. This amino acid position is conserved. In addition, this alteration is predicted to be tolerated by in silico analysis. Based on the available evidence, the clinical significance of this variant remains unclear.